The following is an entry in ClinVar:

NM_000478.6(ALPL):c.412C>G (p.Arg138Gly)

Gene: ALPL (alkaline phosphatase, biomineralization associated; plus strand). Cytogenetic location: 1p36.12.
Variant type: single nucleotide variant.
Coding change: c.412C>G on transcript NM_000478.6 (MANE Select); coding-DNA position 412, C replaced by G.
Protein change: p.Arg138Gly; replaces arginine 138 with glycine.
Molecular consequence: missense variant.
Genome position (GRCh38, 1-based): chr1:21,563,224, C>G. VCF-style: chr1-21563224-C-G. GRCh37 (hg19) VCF-style: chr1-21889717-C-G.
Other names: c.247C>G, p.Arg83Gly (NM_001127501.4); c.181C>G, p.Arg61Gly (NM_001177520.3); c.412C>G, p.Arg138Gly (NM_001369803.2, NM_001369804.2, NM_001369805.2); short protein forms R138G, R61G, R83G.
Identifiers: ClinVar variation 4998027 (VCV004998027.1).
Genomic context (GRCh38, chr1:21,563,224, plus strand): 5'-CTGTGTGGGGTGAAGGCCAATGAGGGCACCGTGGGGGTAAGCGCAGCCACTGAGCGTTCC[C>G]GGTGCAACACCACCCAGGGGAACGAGGTCACCTCCATCCTGCGCTGGGCCAAGGACGCTG-3'
Protein context (NP_000469.3, residues 128-148): VGVSAATERS[Arg138Gly]CNTTQGNEVT

ClinVar aggregate classification (germline): Uncertain significance (1 of 4 stars; one submission).

Conditions:
ALPL-related disorder. Also called: ALPL-related condition; ALPL-related disorders.

Submission:

PreventionGenetics, part of Exact Sciences
Classification: Uncertain significance for ALPL-related condition. Last evaluated: 2025-08-13. Review status: criteria provided, single submitter. Criteria: ACMG Guidelines, 2015. Collection method: clinical testing. Allele origin: germline.
Comment: The ALPL c.412C>G variant is predicted to result in the amino acid substitution p.Arg138Gly. To our knowledge, this variant has not been reported in the literature or in a large population database (gnomAD), indicating this variant is rare. An alternate nucleotide change affecting the same amino acid (p.Arg138Pro) has been reported in a cohort of individuals with hypophosphatasia and in vitro functional study showed it has lower residual activity than control (Suppl. table 1, Del Angel et al. 2020. PubMed ID: 32160374). At this time, the clinical significance of the c.412C>G variant is uncertain due to the absence of conclusive functional and genetic evidence.